The following is an entry in ClinVar:

NM_003907.3(EIF2B5):c.1003T>C (p.Cys335Arg)

Gene: EIF2B5 (eukaryotic translation initiation factor 2B subunit epsilon; plus strand). Cytogenetic location: 3q27.1.
Variant type: single nucleotide variant.
Coding change: c.1003T>C on transcript NM_003907.3 (MANE Select); coding-DNA position 1003, T replaced by C.
Protein change: p.Cys335Arg; replaces cysteine 335 with arginine.
Molecular consequence: missense variant.
Genome position (GRCh38, 1-based): chr3:184,140,577, T>C. VCF-style: chr3-184140577-T-C. GRCh37 (hg19) VCF-style: chr3-183858365-T-C.
Other names: short protein forms C335R.
Identifiers: ClinVar variation 3339811 (VCV003339811.1).

ClinVar aggregate classification (germline): Uncertain significance (1 of 4 stars; one submission).

Submission:

Women's Health and Genetics/Laboratory Corporation of America, LabCorp
Classification: Uncertain significance. Last evaluated: 2024-06-24. Review status: criteria provided, single submitter. Criteria: LabCorp Variant Classification Summary - May 2015. Collection method: clinical testing. Allele origin: germline.
Comment: Variant summary: EIF2B5 c.1003T>C (p.Cys335Arg) results in a non-conservative amino acid change in the encoded protein sequence. Four of five in-silico tools predict a damaging effect of the variant on protein function. The variant was absent in 251438 control chromosomes. c.1003T>C has been reported in the literature in the presumed compound heterozygous state in at least 1 individual affected with Leukoencephalopathy With Vanishing White Matter (example, Dreha-Kulaczewski_2008, Ohlenbusch_2005). These data do not allow any conclusion about variant significance. To our knowledge, no experimental evidence demonstrating an impact on protein function has been reported. Additionally, a different missense change at the same codon p.Cys335Ser is pathogenic by our laboratory, suggesting that missense variants are deleterious. The following publications have been ascertained in the context of this evaluation (PMID: 18356755, 15776425). No submitters have cited clinical-significance assessments for this variant to ClinVar. Based on the evidence outlined above, the variant was classified as VUS-possibly pathogenic.

Literature cited by the submitters: PubMed 15776425; PubMed 18356755.